The following is an entry in ClinVar:

ClinVar aggregate classification (germline): Likely benign (1 of 4 stars; one submission).

Conditions:
PCNT-related disorder. Also called: PCNT-related condition.

Submission:

PreventionGenetics, part of Exact Sciences
Classification: Likely benign for PCNT-related condition. Last evaluated: 2025-04-30. Review status: criteria provided, single submitter. Criteria: ACMG Guidelines, 2015. Collection method: clinical testing. Allele origin: germline.
Comment: This variant is classified as likely benign based on ACMG/AMP sequence variant interpretation guidelines (Richards et al. 2015 PMID: 25741868, with internal and published modifications).

NM_006031.6(PCNT):c.1410G>A (p.Leu470=)

Gene: PCNT (pericentrin; plus strand). Cytogenetic location: 21q22.3.
Variant type: single nucleotide variant.
Coding change: c.1410G>A on transcript NM_006031.6 (MANE Select); coding-DNA position 1410, G replaced by A.
Protein change: p.Leu470=; no amino-acid change (leucine 470 retained).
Molecular consequence: synonymous variant.
Genome position (GRCh38, 1-based): chr21:46,351,494, G>A. VCF-style: chr21-46351494-G-A. GRCh37 (hg19) VCF-style: chr21-47771408-G-A.
Other names: c.1056G>A, p.Leu352= (NM_001315529.2).
Identifiers: ClinVar variation 5001101 (VCV005001101.1).